The following is an entry in ClinVar:

NM_001609.4(ACADSB):c.1159G>A (p.Glu387Lys)

Gene: ACADSB (acyl-CoA dehydrogenase short/branched chain; plus strand). Cytogenetic location: 10q26.13.
Variant type: single nucleotide variant.
Coding change: c.1159G>A on transcript NM_001609.4 (MANE Select); coding-DNA position 1159, G replaced by A.
Protein change: p.Glu387Lys; replaces glutamic acid 387 with lysine.
Molecular consequence: missense variant.
Genome position (GRCh38, 1-based): chr10:123,053,091, G>A. VCF-style: chr10-123053091-G-A. GRCh37 (hg19) VCF-style: chr10-124812607-G-A.
Other names: p.Glu387Lys; c.853G>A, p.Glu285Lys (NM_001330174.3); short protein forms E387K, E285K.
Identifiers: ClinVar variation 9203 (VCV000009203.80), dbSNP rs188094280, ClinGen allele CA120179.

ClinVar aggregate classification (germline): Pathogenic/Likely pathogenic. Review status: criteria provided, multiple submitters, no conflicts (2 of 4 stars). 17 submissions from 17 submitters: Pathogenic (10); Likely pathogenic (6). 1 of the submissions does not count toward it. Last evaluated 2026-01-26.

Conditions:
ACADSB-related disorder. Also called: ACADSB-related condition.
Deficiency of 2-methylbutyryl-CoA dehydrogenase (ACADSB). Also called: 2-methylbutyryl-CoA dehydrogenase deficiency; SBCAD deficiency; 2-methylbutyric aciduria; Short branched-chain acyl-CoA dehydrogenase deficiency; 2-methylbutyrylglycinuria. Identifiers: Orphanet 79157, MedGen C1864912, MONDO:0012392, OMIM 610006, HP:0020147.

Allele frequency attached by ClinVar (database versions not stated): 1000 Genomes Project 0.00020; gnomAD exomes 0.00022 and 0.00027; ESP Exome Variant Server 0.00023; gnomAD 0.00026 and 0.00029; 1000 Genomes Project 30x 0.00031; TOPMed 0.00033; ExAC 0.00034.
gnomAD v4.1: 380 of 1,614,040 alleles (0.024%); highest among the groups gnomAD compares: Middle Eastern, 0.18%; no homozygotes.

Submissions (20):

Labcorp Genetics (formerly Invitae), Labcorp
Classification: Pathogenic for Deficiency of 2-methylbutyryl-CoA dehydrogenase. Last evaluated: 2026-01-26. Review status: criteria provided, single submitter. Criteria: Invitae Variant Classification Sherloc (09022015). Collection method: clinical testing. Allele origin: germline.
Comment: This sequence change replaces glutamic acid, which is acidic and polar, with lysine, which is basic and polar, at codon 387 of the ACADSB protein (p.Glu387Lys). This variant is present in population databases (rs188094280, gnomAD 0.05%). This missense change has been observed in individual(s) with 2-methylbutyryl-coenzyme A dehydrogenase deficiency (PMID: 17945527, 20547083; internal data). ClinVar contains an entry for this variant (Variation ID: 9203). Invitae Evidence Modeling of protein sequence and biophysical properties (such as structural, functional, and spatial information, amino acid conservation, physicochemical variation, residue mobility, and thermodynamic stability) has been performed for this missense variant. However, the output from this modeling did not meet the statistical confidence thresholds required to predict the impact of this variant on ACADSB protein function. Experimental studies have shown that this missense change affects ACADSB function (PMID: 20547083). For these reasons, this variant has been classified as Pathogenic.

3billion
Classification: Pathogenic for Deficiency of 2-methylbutyryl-CoA dehydrogenase. Last evaluated: 2025-09-24. Review status: criteria provided, single submitter. Criteria: ACMG Guidelines, 2015. Collection method: clinical testing. Allele origin: germline. Affected: yes.
Comment: The variant is observed at an extremely low frequency in the gnomAD v4.1.0 dataset (total allele frequency: 0.024%). Predicted Consequence/Location: Missense variant Functional studies provide supporting evidence of the variant having a damaging effect on the gene or gene product (PMID: 20547083). In silico tool predictions suggest damaging effect of the variant on gene or gene product [REVEL: 0.90 (>=0.6, sensitivity 0.68 and specificity 0.92); 3Cnet: 0.83 (> 0.75, sensitivity 0.96 and precision 0.92)]. The same nucleotide change resulting in the same amino acid change has been previously reported as pathogenic/likely pathogenic with strong evidence (ClinVar ID: VCV000009203 /PMID: 17945527). The variant has been reported to be in trans with a pathogenic variant as either compound heterozygous or homozygous in at least one similarly affected unrelated individual (PMID: 17945527). Therefore, this variant is classified as Pathogenic according to the recommendation of ACMG/AMP guideline.

Genomic Medicine Center of Excellence, King Faisal Specialist Hospital and Research Centre
Classification: Pathogenic for Deficiency of 2-methylbutyryl-CoA dehydrogenase. Last evaluated: 2025-09-10. Review status: criteria provided, single submitter. Criteria: ACMG Guidelines, 2015. Collection method: clinical testing. Allele origin: germline.

PreventionGenetics, part of Exact Sciences
Classification: Pathogenic for ACADSB-related condition. Last evaluated: 2025-07-22. Review status: criteria provided, single submitter. Criteria: ACMG Guidelines, 2015. Collection method: clinical testing. Allele origin: germline.
Comment: The ACADSB c.1159G>A variant is predicted to result in the amino acid substitution p.Glu387Lys. This variant has been reported in the homozygous or compound heterozygous state in at least four patients with short/branched-chain acyl-CoA dehydrogenase deficiency (SBCADD), also called 2-methylbutyrylglycinuria (Sass et al. 2008. PubMed ID: 17945527; Alfardan et al. 2010. PubMed ID: 20547083; Adhikari et al. 2020. PubMed ID: 32778825). In an E. coli expression study, the p.Glu387Lys substitution reduced SBCAD enzyme activity to 2% of control. Additionally, the authors noted that based on structural analysis of the SBCAD enzyme, the p.Glu387 amino acid is directly involved in FAD binding (Alfardan et al. 2010. PubMed ID: 20547083). This variant is reported in 0.048% of alleles in individuals of Latino descent in gnomAD. This variant is interpreted as pathogenic.

First Genomix Gene Laboratory, Genetic Diagnostics Department
Classification: Pathogenic for Deficiency of 2-methylbutyryl-CoA dehydrogenase. Last evaluated: 2025-01-22. Review status: criteria provided, single submitter. Criteria: ACMG Guidelines, 2015. Collection method: clinical testing. Allele origin: germline. Inheritance: Autosomal recessive inheritance. Affected: no. Observed: 1 variant allele.

Dasa
Classification: Likely pathogenic. Last evaluated: 2024-12-05. Review status: criteria provided, single submitter. Criteria: DASA Assertion Criteria. Collection method: clinical testing. Allele origin: germline.
Comment: NM_001609.4(ACADSB):c.1159G>A (p.Glu387Lys) is a missense variant that results in the substitution of glutamic acid with lysine. This variant has been recurrently observed in individuals with ACADSB-related disorders (PMID: 20547083; PMID: 17945527; PMID: 30730842; PMID: 30626930). Functional evidence supports an impact on the gene or gene product (PMID: 20547083). Based on the currently available evidence, this variant is classified as likely pathogenic.

Blueprint Genetics
Classification: Likely pathogenic for ACADSB-related disorders. Last evaluated: 2024-09-03. Review status: criteria provided, single submitter. Criteria: ACMG Guidelines, 2015. Collection method: clinical testing. Allele origin: germline. Affected: yes. Observed: 5 variant alleles.

Women's Health and Genetics/Laboratory Corporation of America, LabCorp
Classification: Pathogenic for Deficiency of 2-methylbutyryl-CoA dehydrogenase. Last evaluated: 2024-08-06. Review status: criteria provided, single submitter. Criteria: LabCorp Variant Classification Summary - May 2015. Collection method: clinical testing. Allele origin: germline.
Comment: Variant summary: ACADSB c.1159G>A (p.Glu387Lys) results in a conservative amino acid change located in the Acyl-CoA dehydrogenase/oxidase C-terminal domain (IPR009075) of the encoded protein sequence. Three of five in-silico tools predict a damaging effect of the variant on protein function. The variant allele was found at a frequency of 0.00027 in 251422 control chromosomes. This frequency is not significantly higher than estimated for a pathogenic variant in ACADSB causing Deficiency of 2-methylbutyryl-CoA Dehydrogenase (0.00027 vs 0.0011), allowing no conclusion about variant significance. c.1159G>A has been reported in the literature as a biallelic genotype in multiple clinically asymptomatic individuals affected with Deficiency of 2-methylbutyryl-CoA Dehydrogenase/Short-branched chain acyl-CoA dehydrogenase (SBCAD) deficiency, determined by elevated blood 2-methylbutyrylcarnitine (C5) and/or urine 2-methylbutyrylglycine (2MBG), often detected initially through newborn screening programs (e.g. Sass_2008, Alfardan_2010, Navarrete_2019, Rossi_2022). These data indicate that the variant is very likely to be associated with disease. When expressed in E. coli, the variant had minimal protein yield and 2% of normal WT activity (Alfardan_2010). The following publications have been ascertained in the context of this evaluation (PMID: 20547083, 30626930, 36147814, 17945527). ClinVar contains an entry for this variant (Variation ID: 9203). Based on the evidence outlined above, the variant was classified as pathogenic.

Fulgent Genetics
Classification: Likely pathogenic for Deficiency of 2-methylbutyryl-CoA dehydrogenase. Last evaluated: 2024-03-08. Review status: criteria provided, single submitter. Criteria: ACMG Guidelines, 2015. Collection method: clinical testing. Allele origin: germline.

GeneDx
Classification: Pathogenic. Last evaluated: 2023-10-27. Review status: criteria provided, single submitter. Criteria: GeneDx Variant Classification Process June 2021. Collection method: clinical testing. Allele origin: germline. Affected: yes.
Comment: Published functional studies found this variant is associated with significantly reduced enzyme activity (PMID: 20547083); In silico analysis supports that this missense variant has a deleterious effect on protein structure/function; This variant is associated with the following publications: (PMID: 17945527, 30730842, 34426522, 32778825, 20547083, 36147814)

Department of Pathology and Laboratory Medicine, Sinai Health System
Classification: Likely pathogenic for 2-methylbutyryl-CoA dehydrogenase deficiency. Last evaluated: 2023-08-29. Review status: criteria provided, single submitter. Criteria: ACMG Guidelines, 2015. Collection method: research. Allele origin: germline.

Revvity Omics, Revvity
Classification: Pathogenic for Deficiency of 2-methylbutyryl-CoA dehydrogenase. Last evaluated: 2023-02-21. Review status: criteria provided, single submitter. Criteria: ACMG Guidelines, 2015. Collection method: clinical testing. Allele origin: germline.

Mayo Clinic Laboratories, Mayo Clinic
Classification: Pathogenic. Last evaluated: 2022-11-11. Review status: criteria provided, single submitter. Criteria: ACMG Guidelines, 2015. Collection method: clinical testing. Allele origin: germline. Observed: 1 variant allele.
Comment: PP3, PP4, PM3, PS3, PS4_moderate

New York Genome Center
Classification: Likely pathogenic for Deficiency of 2-methylbutyryl-CoA dehydrogenase. Last evaluated: 2022-01-07. Review status: criteria provided, single submitter. Criteria: NYGC Assertion Criteria 2020. Collection method: clinical testing. Allele origin: inherited. Observed: 1 compound heterozygote. Study: CSER-NYCKidSeq.

CeGaT Center for Human Genetics Tuebingen
Classification: Pathogenic. Last evaluated: 2019-04-01. Review status: criteria provided, single submitter. Criteria: CeGaT Center For Human Genetics Tuebingen Variant Classification Criteria Version 2. Collection method: clinical testing. Allele origin: germline. Affected: yes. Observed: 1 variant allele.

Kariminejad - Najmabadi Pathology & Genetics Center
Classification: Likely pathogenic for Deficiency of 2-methylbutyryl-CoA dehydrogenase. Review status: criteria provided, single submitter. Criteria: ACMG Guidelines, 2015. Collection method: clinical testing. Allele origin: germline. Affected: no.

OMIM
Classification: Pathogenic for 2-METHYLBUTYRYL-CoA DEHYDROGENASE DEFICIENCY. Last evaluated: 2008-01-01. Review status: no assertion criteria provided. Collection method: literature only. Allele origin: germline. Not counted in ClinVar's aggregate classification.

Dr. Peter K. Rogan Lab, Western University
No classification provided (evidence only). Condition: Sarcoma. Review status: no classification provided. Collection method: in vitro. Allele origin: not applicable. Functional consequence: retained intron. Not counted in ClinVar's aggregate classification.

Dr. Peter K. Rogan Lab, Western University
No classification provided (evidence only). Condition: Ovarian serous cystadenocarcinoma. Review status: no classification provided. Collection method: in vitro. Allele origin: not applicable. Functional consequence: retained intron. Not counted in ClinVar's aggregate classification.

Dr. Peter K. Rogan Lab, Western University
No classification provided (evidence only). Condition: Ovarian serous cystadenocarcinoma. Review status: no classification provided. Collection method: in vitro. Allele origin: not applicable. Functional consequence: retained intron. Not counted in ClinVar's aggregate classification.

Literature cited by the submitters: PubMed 17945527 (cited by 6 submitters); PubMed 20547083 (cited by 6 submitters); PubMed 30730842 (cited by Dasa and Mayo Clinic Laboratories, Mayo Clinic); PubMed 30626930 (cited by Dasa and Women's Health and Genetics/Laboratory Corporation of America, LabCorp); PubMed 36147814 (cited by Women's Health and Genetics/Laboratory Corporation of America, LabCorp and Mayo Clinic Laboratories, Mayo Clinic); PubMed 32778825 (cited by Mayo Clinic Laboratories, Mayo Clinic); PubMed 34297361 (cited by Mayo Clinic Laboratories, Mayo Clinic).